The following is an entry in ClinVar:

ClinVar aggregate classification (germline): Uncertain significance (1 of 4 stars; one submission).

Conditions:
Dilated cardiomyopathy 1HH (CMD1HH). Identifiers: Orphanet 154, MedGen C3151293, MONDO:0013479, OMIM 613881.
Myofibrillar myopathy 6. Identifiers: Orphanet 199340, MedGen C2751831, MONDO:0013061, OMIM 612954.

Submission:

Labcorp Genetics (formerly Invitae), Labcorp
Classification: Uncertain significance for Dilated cardiomyopathy 1HH; Myofibrillar myopathy 6. Last evaluated: 2024-08-27. Review status: criteria provided, single submitter. Criteria: Invitae Variant Classification Sherloc (09022015). Collection method: clinical testing. Allele origin: germline.
Comment: This sequence change falls in intron 3 of the BAG3 gene. It does not directly change the encoded amino acid sequence of the BAG3 protein. Information on the frequency of this variant in the gnomAD database is not available, as this variant may be reported differently in the database. This variant has not been reported in the literature in individuals affected with BAG3-related conditions. Experimental studies and prediction algorithms are not available or were not evaluated, and the effect of this variant on mRNA splicing is currently unknown. In summary, the available evidence is currently insufficient to determine the role of this variant in disease. Therefore, it has been classified as a Variant of Uncertain Significance.

NM_004281.4(BAG3):c.910-21_910-20delinsCG

Gene: BAG3 (BAG cochaperone 3; plus strand). Cytogenetic location: 10q26.11.
Variant type: Indel.
Coding change: c.910-21_910-20delinsCG on transcript NM_004281.4 (MANE Select); 21 bases into the intron before coding-DNA position 910 through 20 bases into the intron before coding-DNA position 910, AT replaced by CG.
Molecular consequence: intron variant.
Genome position (GRCh38, 1-based): chr10:119,676,443-119,676,444, AT replaced by CG. VCF-style: chr10-119676443-AT-CG. GRCh37 (hg19) VCF-style: chr10-121435955-AT-CG.
Identifiers: ClinVar variation 3757830 (VCV003757830.2).